The following is an entry in ClinVar:

ClinVar aggregate classification (germline): Pathogenic (1 of 4 stars; one submission).

Conditions:
Hereditary cancer-predisposing syndrome. Also called: Hereditary Cancer Syndrome; Tumor predisposition; Hereditary neoplastic syndrome; Neoplastic Syndromes, Hereditary. Identifiers: Orphanet 140162, MedGen C0027672, MeSH D009386, MONDO:0015356.

Submission:

Ambry Genetics
Classification: Pathogenic for Hereditary cancer-predisposing syndrome. Last evaluated: 2024-04-04. Review status: criteria provided, single submitter. Criteria: Ambry Variant Classification Scheme 2023. Collection method: clinical testing. Allele origin: germline.
Comment: The c.1814delT pathogenic mutation, located in coding exon 9 of the BRCA2 gene, results from a deletion of one nucleotide at nucleotide position 1814, causing a translational frameshift with a predicted alternate stop codon (p.I605Nfs*9). This alteration is expected to result in loss of function by premature protein truncation or nonsense-mediated mRNA decay. As such, this alteration is interpreted as a disease-causing mutation.

NM_000059.4(BRCA2):c.1814del (p.Ile605fs)

Gene: BRCA2 (BRCA2 DNA repair associated; plus strand). Cytogenetic location: 13q13.1.
Variant type: Deletion.
Coding change: c.1814del on transcript NM_000059.4 (MANE Select); coding-DNA position 1814, one base deleted (T; older notation c.1814delT).
Protein change: p.Ile605fs; shifts the reading frame from isoleucine 605.
Molecular consequence: frameshift variant. On other transcripts: non-coding transcript variant (1), intron variant (1).
Genome position (GRCh38, 1-based): chr13:32,333,292, T deleted. VCF-style (leftmost placement, unchanged base first): chr13-32333291-AT-A. GRCh37 (hg19) VCF-style: chr13-32907428-AT-A.
Other names: c.1814del, p.Ile605fs (NM_001406719.1, NM_001406720.1, NM_001406721.1); c.424+2262del (NM_001406722.1); short protein forms I605fs.
Identifiers: ClinVar variation 3261582 (VCV003261582.1).